The following is an entry in ClinVar:

NM_024422.6(DSC2):c.1720A>G (p.Ser574Gly)

Gene: DSC2 (desmocollin 2; minus strand). Cytogenetic location: 18q12.1.
Variant type: single nucleotide variant.
Coding change: c.1720A>G on transcript NM_024422.6 (MANE Select); coding-DNA position 1720, A replaced by G.
Protein change: p.Ser574Gly; replaces serine 574 with glycine.
Molecular consequence: missense variant.
Genome position (GRCh38, 1-based): chr18:31,074,851, T>C on the plus strand (A>G on the coding strand, the complement: DSC2 is on the minus strand). VCF-style: chr18-31074851-T-C. GRCh37 (hg19) VCF-style: chr18-28654817-T-C.
Other names: c.1291A>G, p.Ser431Gly (NM_001406506.1, NM_001406507.1); c.1720A>G, p.Ser574Gly (NM_004949.5); short protein forms S431G, S574G.
Identifiers: ClinVar variation 4813420 (VCV004813420.1).

ClinVar aggregate classification (germline): Uncertain significance (1 of 4 stars; one submission).

Conditions:
Arrhythmogenic right ventricular dysplasia 11. Also called: ARRHYTHMOGENIC RIGHT VENTRICULAR DYSPLASIA, FAMILIAL, 11; Arrhythmogenic Right Ventricular Dysplasia/Cardiomyopathy11; Arrhythmogenic right ventricular dysplasia 11 with mild palmoplantar keratoderma and woolly hair. Identifiers: MedGen C1864850, MONDO:0012506, OMIM 610476.

Submission:

MVZ Praenatalmedizin und Genetik Nuernberg
Classification: Uncertain significance for Arrhythmogenic right ventricular dysplasia 11. Last evaluated: 2023-03-10. Review status: criteria provided, single submitter. Criteria: ACMG Guidelines, 2015. Collection method: clinical testing. Allele origin: germline. Affected: yes.
Comment: Computer-based predictions (in silico) conducted for this purpose have resulted in a predominantly benign assessment of the variant but are not sufficient for classification. In summary, based on the current data, we assess this variant as having unclear clinical significance (VUS).